The following is an entry in ClinVar:

ClinVar aggregate classification (germline): Uncertain significance (1 of 4 stars; one submission).

Conditions:
Congenital factor V deficiency. Also called: Hereditary factor V deficiency disease; LABILE FACTOR DEFICIENCY; OWREN PARAHEMOPHILIA; PARAHEMOPHILIA. Identifiers: Orphanet 326, MedGen C0015499, MONDO:0009210, OMIM 227400.

Submission:

Labcorp Genetics (formerly Invitae), Labcorp
Classification: Uncertain significance for Congenital factor V deficiency. Last evaluated: 2024-08-13. Review status: criteria provided, single submitter. Criteria: Invitae Variant Classification Sherloc (09022015). Collection method: clinical testing. Allele origin: germline.
Comment: This sequence change replaces glutamic acid, which is acidic and polar, with aspartic acid, which is acidic and polar, at codon 749 of the F5 protein (p.Glu749Asp). This variant is present in population databases (rs759635619, gnomAD 0.006%). This variant has not been reported in the literature in individuals affected with F5-related conditions. Invitae Evidence Modeling of protein sequence and biophysical properties (such as structural, functional, and spatial information, amino acid conservation, physicochemical variation, residue mobility, and thermodynamic stability) indicates that this missense variant is not expected to disrupt F5 protein function with a negative predictive value of 80%. In summary, the available evidence is currently insufficient to determine the role of this variant in disease. Therefore, it has been classified as a Variant of Uncertain Significance.

NM_000130.5(F5):c.2247A>C (p.Glu749Asp)

Gene: F5 (coagulation factor V; minus strand). Cytogenetic location: 1q24.2.
Variant type: single nucleotide variant.
Coding change: c.2247A>C on transcript NM_000130.5 (MANE Select); coding-DNA position 2247, A replaced by C.
Protein change: p.Glu749Asp; replaces glutamic acid 749 with aspartic acid.
Molecular consequence: missense variant.
Genome position (GRCh38, 1-based): chr1:169,542,843, T>G on the plus strand (A>C on the coding strand, the complement: F5 is on the minus strand). VCF-style: chr1-169542843-T-G. GRCh37 (hg19) VCF-style: chr1-169512081-T-G.
Other names: short protein forms E749D.
Identifiers: ClinVar variation 3709161 (VCV003709161.2).
Genomic context (GRCh38, chr1:169,542,843, plus strand): 5'-TGTGTTTGAAGAAACGAATTCAGTGCCATTCTCCAGAGCTAGGGCAGTAAGATTGAACTC[T>G]TCTTCTTCCTGATTCAATGATGAGTTTCGGAATGACCTGATTCCTAATGCTGCAGCCAGT-3'
Protein context (NP_000121.2, residues 739-759): FRNSSLNQEE[Glu749Asp]EFNLTALALE